The following is an entry in ClinVar:

NM_021830.5(TWNK):c.1060C>T (p.Arg354Cys)

Gene: TWNK (twinkle mtDNA helicase; plus strand). Cytogenetic location: 10q24.31.
Variant type: single nucleotide variant.
Coding change: c.1060C>T on transcript NM_021830.5 (MANE Select); coding-DNA position 1060, C replaced by T.
Protein change: p.Arg354Cys; replaces arginine 354 with cysteine.
Molecular consequence: missense variant. On other transcripts: non-coding transcript variant (4), intron variant (3).
Genome position (GRCh38, 1-based): chr10:100,989,270, C>T. VCF-style: chr10-100989270-C-T. GRCh37 (hg19) VCF-style: chr10-102749027-C-T.
Other names: c.1060C>T, p.Arg354Cys (NM_001163812.2); c.-119-374C>T (NM_001163814.2, NM_001163813.2); c.-57-436C>T (NM_001368275.1); short protein forms R354C.
Identifiers: ClinVar variation 1956760 (VCV001956760.7), dbSNP rs533720034, ClinGen allele CA212963192.

ClinVar aggregate classification (germline): Conflicting classifications of pathogenicity. Review status: criteria provided, conflicting classifications (1 of 4 stars). 3 submissions from 3 submitters: Likely pathogenic (2); Uncertain significance (1). Last evaluated 2024-02-01.

Conditions:
Infantile onset spinocerebellar ataxia (MTDPS7). Also called: OPHTHALMOPLEGIA, HYPOTONIA, ATAXIA, HYPOACUSIS, AND ATHETOSIS; OHAHA SYNDROME; SPINOCEREBELLAR ATAXIA, INFANTILE, WITH SENSORY NEUROPATHY; Mitochondrial DNA depletion syndrome 7 (hepatocerebral type). Identifiers: Orphanet 1186, MedGen C1849096, MONDO:0010060, OMIM 271245.

Allele frequency attached by ClinVar (database versions not stated): TOPMed below 0.00001; gnomAD exomes 0.00001; gnomAD 0.00002; 1000 Genomes Project 30x 0.00016; 1000 Genomes Project 0.00020.

Submissions (3):

Neuberg Centre For Genomic Medicine, NCGM
Classification: Likely pathogenic for Infantile onset spinocerebellar ataxia. Last evaluated: 2024-02-01. Review status: criteria provided, single submitter. Criteria: ACMG Guidelines, 2015. Collection method: clinical testing. Allele origin: germline. Inheritance: Autosomal recessive inheritance.
Comment: The above variant has not been reported previously in affected individuals, to our knowledge. Another missense variant [c.1061G>C (p.Arg354Pro)] on the same residue of this gene has previously been reported to be Pathogenic / disease causing (Lehmann D, et al., 2019), suggesting that this residue might be of clinical significance. However, additional functional evidence will be required to prove the pathogenicity of p.Arg354Cys variant. For these reasons, this variant has been classified as Likely Pathogenic. In absence of another reportable variant in TWNK gene, the molecular diagnosis is not confirmed.

Labcorp Genetics (formerly Invitae), Labcorp
Classification: Likely pathogenic. Last evaluated: 2022-11-29. Review status: criteria provided, single submitter. Criteria: Invitae Variant Classification Sherloc (09022015). Collection method: clinical testing. Allele origin: germline.
Comment: This variant disrupts the p.Arg354 amino acid residue in TWNK. Other variant(s) that disrupt this residue have been determined to be pathogenic (PMID: 11431692). This suggests that this residue is clinically significant, and that variants that disrupt this residue are likely to be disease-causing. Advanced modeling of protein sequence and biophysical properties (such as structural, functional, and spatial information, amino acid conservation, physicochemical variation, residue mobility, and thermodynamic stability) performed at Invitae indicates that this missense variant is expected to disrupt TWNK protein function. This variant has not been reported in the literature in individuals affected with TWNK-related conditions. This variant is present in population databases (rs533720034, gnomAD 0.01%). This sequence change replaces arginine, which is basic and polar, with cysteine, which is neutral and slightly polar, at codon 354 of the TWNK protein (p.Arg354Cys). In summary, the currently available evidence indicates that the variant is pathogenic, but additional data are needed to prove that conclusively. Therefore, this variant has been classified as Likely Pathogenic.

Blueprint Genetics
Classification: Uncertain significance. Last evaluated: 2018-07-13. Review status: criteria provided, single submitter. Criteria: ACMG Guidelines, 2015. Collection method: clinical testing. Allele origin: germline.

Literature cited by the submitters: PubMed 11431692 (cited by Labcorp Genetics (formerly Invitae), Labcorp).